The following is an entry in ClinVar:

NM_005215.4(DCC):c.1388C>T (p.Thr463Met)

Gene: DCC (DCC netrin 1 receptor; plus strand). Cytogenetic location: 18q21.2.
Variant type: single nucleotide variant.
Coding change: c.1388C>T on transcript NM_005215.4 (MANE Select); coding-DNA position 1388, C replaced by T.
Protein change: p.Thr463Met; replaces threonine 463 with methionine.
Molecular consequence: missense variant.
Genome position (GRCh38, 1-based): chr18:53,157,482, C>T. VCF-style: chr18-53157482-C-T. GRCh37 (hg19) VCF-style: chr18-50683852-C-T.
Other names: short protein forms T463M.
Identifiers: ClinVar variation 4529748 (VCV004529748.1).

ClinVar aggregate classification (germline): Uncertain significance (1 of 4 stars; one submission).

gnomAD v4.1: 161 of 1,614,108 alleles (0.01%); highest among the groups gnomAD compares: African/African-American, 0.097%; no homozygotes.

Submission:

GeneDx
Classification: Uncertain significance. Last evaluated: 2025-05-12. Review status: criteria provided, single submitter. Criteria: GeneDx Variant Classification Process June 2021. Collection method: clinical testing. Allele origin: germline. Affected: yes.
Comment: In silico analysis supports that this missense variant has a deleterious effect on protein structure/function; Has not been previously published as pathogenic or benign to our knowledge